The following is an entry in ClinVar:

ClinVar aggregate classification (germline): Uncertain significance (1 of 4 stars; one submission).

Conditions:
Hereditary cancer-predisposing syndrome. Also called: Hereditary Cancer Syndrome; Hereditary neoplastic syndrome; Neoplastic Syndromes, Hereditary; Tumor predisposition. Identifiers: Orphanet 140162, MedGen C0027672, MeSH D009386, MONDO:0015356.

Submission:

Ambry Genetics
Classification: Uncertain significance for Hereditary cancer-predisposing syndrome. Last evaluated: 2025-10-23. Review status: criteria provided, single submitter. Criteria: Ambry Variant Classification Scheme 2023. Collection method: clinical testing. Allele origin: germline.
Comment: The p.L14S variant (also known as c.41T>C), located in coding exon 1 of the RAD51C gene, results from a T to C substitution at nucleotide position 41. The leucine at codon 14 is replaced by serine, an amino acid with dissimilar properties. This amino acid position is conserved. In addition, this alteration is predicted to be tolerated by in silico analysis. Since supporting evidence is limited at this time, the clinical significance of this alteration remains unclear.

NM_058216.3(RAD51C):c.41T>C (p.Leu14Ser)

Gene: RAD51C (RAD51 paralog C; plus strand). Cytogenetic location: 17q22.
Variant type: single nucleotide variant.
Coding change: c.41T>C on transcript NM_058216.3 (MANE Select); coding-DNA position 41, T replaced by C.
Protein change: p.Leu14Ser; replaces leucine 14 with serine.
Molecular consequence: missense variant. On other transcripts: non-coding transcript variant (2).
Genome position (GRCh38, 1-based): chr17:58,692,684, T>C. VCF-style: chr17-58692684-T-C. GRCh37 (hg19) VCF-style: chr17-56770045-T-C.
Other names: c.41T>C, p.Leu14Ser (NM_002876.4, NM_058217.1); short protein forms L14S.
Identifiers: ClinVar variation 1738651 (VCV001738651.3), dbSNP rs2509260881, ClinGen allele CA400336554.